The following is an entry in ClinVar:

ClinVar aggregate classification (germline): Likely benign. Review status: criteria provided, multiple submitters, no conflicts (2 of 4 stars). 2 submissions from 2 submitters: Likely benign (2). Last evaluated 2025-10-02.

Allele frequency attached by ClinVar (database versions not stated): gnomAD exomes below 0.00001; TOPMed 0.00001; gnomAD 0.00003.
gnomAD v4.1: 11 of 1,506,650 alleles (0.00073%); highest among the groups gnomAD compares: Non-Finnish European, 0.001%; no homozygotes.

Submissions (2):

Labcorp Genetics (formerly Invitae), Labcorp
Classification: Likely benign. Last evaluated: 2025-10-02. Review status: criteria provided, single submitter. Criteria: Invitae Variant Classification Sherloc (09022015). Collection method: clinical testing. Allele origin: germline.

CeGaT Center for Human Genetics Tuebingen
Classification: Likely benign. Last evaluated: 2023-05-01. Review status: criteria provided, single submitter. Criteria: CeGaT Center For Human Genetics Tuebingen Variant Classification Criteria Version 2. Collection method: clinical testing. Allele origin: germline. Affected: yes. Observed: 1 variant allele.
Comment: NSD1: BP4

NM_022455.5(NSD1):c.4193-8C>T

Gene: NSD1 (nuclear receptor binding SET domain protein 1; plus strand). Cytogenetic location: 5q35.3.
Variant type: single nucleotide variant.
Coding change: c.4193-8C>T on transcript NM_022455.5 (MANE Select); 8 bases into the intron before coding-DNA position 4193, C replaced by T.
Molecular consequence: intron variant.
Genome position (GRCh38, 1-based): chr5:177,239,748, C>T. VCF-style: chr5-177239748-C-T. GRCh37 (hg19) VCF-style: chr5-176666749-C-T.
Other names: c.4193-8C>T (NM_001409301.1, NM_001409302.1, NM_001409303.1); c.3773-8C>T (NM_001409304.1); c.3440-8C>T (NM_001409305.1); c.3320-8C>T (NM_001409306.1, NM_001409308.1, NM_001409307.1 and 3 more transcripts).
Identifiers: ClinVar variation 2196080 (VCV002196080.27), dbSNP rs1445626455, ClinGen allele CA564497562.
Genomic context (GRCh38, chr5:177,239,748, plus strand): 5'-CAGATTTTTTAAAAATTAACTTGTGCCCAGTTTCTAAATCATCTAATGTAAAGATACATG[C>T]ATTTCAGGAAATTATGAAAGTAAACGTCAAAGAAAACCAACTAAGAAACTTCTTGAATCC-3'